The following is an entry in ClinVar:

NM_000212.3(ITGB3):c.52G>C (p.Gly18Arg)

Gene: ITGB3 (integrin subunit beta 3; plus strand). Cytogenetic location: 17q21.32.
Variant type: single nucleotide variant.
Coding change: c.52G>C on transcript NM_000212.3 (MANE Select); coding-DNA position 52, G replaced by C.
Protein change: p.Gly18Arg; replaces glycine 18 with arginine.
Molecular consequence: missense variant.
Genome position (GRCh38, 1-based): chr17:47,253,913, G>C. VCF-style: chr17-47253913-G-C. GRCh37 (hg19) VCF-style: chr17-45331279-G-C.
Other names: short protein forms G18R.
Identifiers: ClinVar variation 4747581 (VCV004747581.1).

ClinVar aggregate classification (germline): Uncertain significance (1 of 4 stars; one submission).

Submission:

Labcorp Genetics (formerly Invitae), Labcorp
Classification: Uncertain significance. Last evaluated: 2026-01-06. Review status: criteria provided, single submitter. Criteria: Invitae Variant Classification Sherloc (09022015). Collection method: clinical testing. Allele origin: germline.
Comment: This sequence change replaces glycine, which is neutral and non-polar, with arginine, which is basic and polar, at codon 18 of the ITGB3 protein (p.Gly18Arg). This variant is not present in population databases (gnomAD no frequency). This variant has not been reported in the literature in individuals affected with ITGB3-related conditions. Invitae Evidence Modeling of protein sequence and biophysical properties (such as structural, functional, and spatial information, amino acid conservation, physicochemical variation, residue mobility, and thermodynamic stability) indicates that this missense variant is not expected to disrupt ITGB3 protein function with a negative predictive value of 80%. In summary, the available evidence is currently insufficient to determine the role of this variant in disease. Therefore, it has been classified as a Variant of Uncertain Significance.